The following is an entry in ClinVar:

ClinVar aggregate classification (germline): Uncertain significance. Review status: criteria provided, multiple submitters, no conflicts (2 of 4 stars). 4 submissions from 4 submitters: Uncertain significance (3). 1 of the submissions does not count toward it. Last evaluated 2026-05-15.

Conditions:
Cardiovascular phenotype. Identifiers: MedGen CN230736.
Progressive familial heart block type IB (PFHB1B). Identifiers: Orphanet 871, MedGen C1970298, MONDO:0011474, OMIM 604559.

Submissions (4):

Ambry Genetics
Classification: Uncertain significance for Cardiovascular phenotype. Last evaluated: 2026-05-15. Review status: criteria provided, single submitter. Criteria: Ambry Variant Classification Scheme 2023. Collection method: clinical testing. Allele origin: germline.
Comment: The c.371dupG variant, located in coding exon 4 of the TRPM4 gene, results from a duplication of G at nucleotide position 371, causing a translational frameshift with a predicted alternate stop codon (p.S125Ifs*73). This variant is expected to result in protein truncation or nonsense-mediated mRNA decay. However, loss of function has not been established as a mechanism of disease. Based on the available evidence, the clinical significance of this variant remains unclear.

Labcorp Genetics (formerly Invitae), Labcorp
Classification: Uncertain significance for Progressive familial heart block type IB. Last evaluated: 2025-02-12. Review status: criteria provided, single submitter. Criteria: Invitae Variant Classification Sherloc (09022015). Collection method: clinical testing. Allele origin: germline.
Comment: This sequence change creates a premature translational stop signal (p.Ser125Ilefs*73) in the TRPM4 gene. It is expected to result in an absent or disrupted protein product. However, the current clinical and genetic evidence is not sufficient to establish whether loss-of-function variants in TRPM4 cause disease. This variant is present in population databases (no rsID available, gnomAD 0.0009%). This variant has not been reported in the literature in individuals affected with TRPM4-related conditions. ClinVar contains an entry for this variant (Variation ID: 431448). In summary, the available evidence is currently insufficient to determine the role of this variant in disease. Therefore, it has been classified as a Variant of Uncertain Significance.

AiLife Diagnostics
Classification: Uncertain significance. Last evaluated: 2022-01-19. Review status: criteria provided, single submitter. Criteria: ACMG Guidelines, 2015. Collection method: clinical testing. Allele origin: germline. Affected: yes. Observed: 2 variant alleles.

Institute of Human Genetics, University of Goettingen
Classification: Uncertain significance for Progressive familial heart block type IB. Last evaluated: 2017-06-22. Review status: no assertion criteria provided. Collection method: clinical testing. Allele origin: germline. Affected: yes. Observed: 1 variant allele, 1 heterozygote. Not counted in ClinVar's aggregate classification.
Comment: Brugada syndrome

NM_017636.4(TRPM4):c.371dup (p.Ser125fs)

Gene: TRPM4 (transient receptor potential cation channel subfamily M member 4; plus strand). Cytogenetic location: 19q13.33.
Variant type: Duplication.
Coding change: c.371dup on transcript NM_017636.4 (MANE Select); coding-DNA position 371, one base duplicated (G; older notation c.371dupG).
Protein change: p.Ser125fs; shifts the reading frame from serine 125.
Molecular consequence: frameshift variant. On other transcripts: intron variant (4).
Genome position (GRCh38, 1-based): chr19:49,168,020, G duplicated; the last of 6 consecutive G bases (chr19:49,168,015-49,168,020); duplicating any one gives the same sequence. VCF-style (leftmost placement, unchanged base first): chr19-49168014-T-TG. GRCh37 (hg19) VCF-style: chr19-49671271-T-TG.
Other names: c.371dup, p.Ser125fs (NM_001195227.2); c.-1105-240dup (NM_001321282.2); c.268-533dup (NM_001321281.2); c.-74-240dup (NM_001321283.2); c.-237-533dup (NM_001321285.2); c.371dupG (NM_017636.3); short protein forms S125fs.
Identifiers: ClinVar variation 431448 (VCV000431448.12), dbSNP rs1135402751, ClinGen allele CA633890918.